The following is an entry in ClinVar:

ClinVar aggregate classification (germline): Uncertain significance (1 of 4 stars; one submission).

Conditions:
Ehlers-Danlos syndrome, type 4 (EDSVASC). Also called: Ehlers-Danlos Syndrome Type IV; Ehlers-Danlos syndrome vascular type; Ehlers Danlos syndrome, ecchymotic type; Ehlers Danlos syndrome, arterial type; Ehlers Danlos syndrome, Sack-Barabas type. Identifiers: Orphanet 286, MedGen C0268338, MONDO:0017314, OMIM 130050.

Submission:

All of Us Research Program, National Institutes of Health
Classification: Uncertain significance for Ehlers-Danlos syndrome, type 4. Last evaluated: 2023-09-17. Review status: criteria provided, single submitter. Criteria: ACMG Guidelines, 2015. Collection method: clinical testing. Allele origin: germline. Inheritance: Autosomal dominant inheritance. Observed: 1 variant allele, 1 heterozygote.
Comment: This missense variant replaces proline with serine at codon 138 of the COL3A1 protein. Computational prediction is inconclusive regarding the impact of this variant on protein structure and function (internally defined REVEL score threshold 0.5 < inconclusive < 0.7, PMID: 27666373). To our knowledge, functional studies have not been reported for this variant. This variant has not been reported in individuals affected with COL3A1-related disorders in the literature. This variant has not been identified in the general population by the Genome Aggregation Database (gnomAD). The available evidence is insufficient to determine the role of this variant in disease conclusively. Therefore, this variant is classified as a Variant of Uncertain Significance.

This study involves interpretation of variants in research participants for the purpose of population health screening. Participant phenotype was not available at the time of variant classification. Additional details can be found in publication PMID: 35346344, PMCID: PMC8962531

NM_000090.4(COL3A1):c.412C>T (p.Pro138Ser)

Gene: COL3A1 (collagen type III alpha 1 chain; plus strand). Cytogenetic location: 2q32.2.
Variant type: single nucleotide variant.
Coding change: c.412C>T on transcript NM_000090.4 (MANE Select); coding-DNA position 412, C replaced by T.
Protein change: p.Pro138Ser; replaces proline 138 with serine.
Molecular consequence: missense variant.
Genome position (GRCh38, 1-based): chr2:188,985,743, C>T. VCF-style: chr2-188985743-C-T. GRCh37 (hg19) VCF-style: chr2-189850469-C-T.
Other names: short protein forms P138S.
Identifiers: ClinVar variation 3073448 (VCV003073448.1), dbSNP rs929037058, ClinGen allele CA349847931.
Genomic context (GRCh38, chr2:188,985,743, plus strand): 5'-GGGAGAAATGGTGACCCTGGTATTCCAGGACAACCAGGGTCCCCTGGTTCTCCTGGCCCC[C>T]CTGGAATCTGTGAATCATGCCCTACTGGTCCTCAGGTATAACAATTACGGTACTTAAAAA-3'
Protein context (NP_000081.2, residues 128-148): QPGSPGSPGP[Pro138Ser]GICESCPTGP